The following is an entry in ClinVar:

NM_000937.5(POLR2A):c.5125A>G (p.Thr1709Ala)

Gene: POLR2A (RNA polymerase II subunit A; plus strand). Cytogenetic location: 17p13.1.
Variant type: single nucleotide variant.
Coding change: c.5125A>G on transcript NM_000937.5 (MANE Select); coding-DNA position 5125, A replaced by G.
Protein change: p.Thr1709Ala; replaces threonine 1709 with alanine.
Molecular consequence: missense variant.
Genome position (GRCh38, 1-based): chr17:7,513,389, A>G. VCF-style: chr17-7513389-A-G. GRCh37 (hg19) VCF-style: chr17-7416708-A-G.
Other names: short protein forms T1709A.
Identifiers: ClinVar variation 3393434 (VCV003393434.1).

ClinVar aggregate classification (germline): Uncertain significance (1 of 4 stars; one submission).

Conditions:
Neurodevelopmental disorder with hypotonia and variable intellectual and behavioral abnormalities. Identifiers: MedGen C5231423, MONDO:0032829, OMIM 618603.

Submission:

Neuberg Centre For Genomic Medicine, NCGM
Classification: Uncertain significance for Neurodevelopmental disorder with hypotonia and variable intellectual and behavioral abnormalities. Review status: criteria provided, single submitter. Criteria: ACMG Guidelines, 2015. Collection method: clinical testing. Allele origin: germline. Inheritance: Autosomal dominant inheritance. Affected: yes.
Comment: The observed missense c.5125A>G p.Thr1709Ala variant in POLR2A gene has not been reported previously as a pathogenic variant nor as a benign variant, to our knowledge. The p.Thr1709Ala variant is absent in gnomAD Exomes. This variant has not been submitted to the ClinVar database. Computational evidence SIFT - Tolerated predict no damaging effect on protein structure and function for this variant. The amino acid Thr at position 1709 is changed to a Ala changing protein sequence and it might alter its composition and physico-chemical properties. For these reasons, this variant has been classified as Variant of Uncertain Significance VUS.